The following is an entry in ClinVar:

ClinVar aggregate classification (germline): Uncertain significance (1 of 4 stars; one submission).

Conditions:
Congenital myopathy 4B, autosomal recessive. Also called: Nemaline myopathy 1, autosomal dominant or recessive. Identifiers: Orphanet 171433, Orphanet 171439, Orphanet 171881, MedGen C5829889, MONDO:0012239, OMIM 609284.
Congenital myopathy with fiber type disproportion. Also called: Congenital fiber-type disproportion myopathy; Congenital fiber-type disproportion. Identifiers: Orphanet 2020, MedGen C0546264, MONDO:0009711. Inheritance: all.

Allele frequency attached by ClinVar (database versions not stated): gnomAD exomes below 0.00001; ExAC 0.00001; TOPMed 0.00001.
gnomAD v4.1: 2 of 1,614,092 alleles (0.00012%); highest among the groups gnomAD compares: Admixed American, 0.0033%; no homozygotes.

Submission:

Labcorp Genetics (formerly Invitae), Labcorp
Classification: Uncertain significance for Congenital myopathy with fiber type disproportion; Congenital myopathy 4B, autosomal recessive. Last evaluated: 2024-12-02. Review status: criteria provided, single submitter. Criteria: Invitae Variant Classification Sherloc (09022015). Collection method: clinical testing. Allele origin: germline.
Comment: This sequence change falls in intron 8 of the TPM3 gene. It does not directly change the encoded amino acid sequence of the TPM3 protein. It affects a nucleotide within the consensus splice site. This variant is present in population databases (rs772586173, gnomAD 0.003%). This variant has not been reported in the literature in individuals affected with TPM3-related conditions. ClinVar contains an entry for this variant (Variation ID: 2057125). Variants that disrupt the consensus splice site are a relatively common cause of aberrant splicing (PMID: 17576681, 9536098). Algorithms developed to predict the effect of sequence changes on RNA splicing suggest that this variant is not likely to affect RNA splicing. In summary, the available evidence is currently insufficient to determine the role of this variant in disease. Therefore, it has been classified as a Variant of Uncertain Significance.

Literature cited by the submitters: PubMed 17576681; PubMed 9536098.

NM_152263.4(TPM3):c.775+6G>T

Gene: TPM3 (tropomyosin 3; minus strand). Cytogenetic location: 1q21.3.
Variant type: single nucleotide variant.
Coding change: c.775+6G>T on transcript NM_152263.4 (MANE Select); 6 bases into the intron after coding-DNA position 775, G replaced by T.
Molecular consequence: intron variant.
Genome position (GRCh38, 1-based): chr1:154,170,394, C>A on the plus strand (G>T on the coding strand, the complement: TPM3 is on the minus strand). VCF-style: chr1-154170394-C-A. GRCh37 (hg19) VCF-style: chr1-154142870-C-A.
Other names: c.775+6G>T (NM_001364679.2, NM_001364681.2, NM_001364680.2 and 1 more transcripts); c.466+6G>T (NM_001278188.2); c.664+6G>T (NM_001043351.2, NM_001043353.2, NM_001349679.2 and 4 more transcripts); c.601+6G>T (NM_001278190.2); c.394+6G>T (NM_001278191.2).
Identifiers: ClinVar variation 2057125 (VCV002057125.4), dbSNP rs772586173, ClinGen allele CA1125531.